The following is an entry in ClinVar:

NM_012186.3(FOXE3):c.902C>T (p.Pro301Leu)

Genes: LINC01389 (long independently transcribed non-coding RNA 1389; minus strand), FOXE3 (forkhead box E3; plus strand). Cytogenetic location: 1p33.
Variant type: single nucleotide variant.
Coding change: c.902C>T on transcript NM_012186.3 (MANE Select); coding-DNA position 902, C replaced by T.
Protein change: p.Pro301Leu; replaces proline 301 with leucine.
Molecular consequence: missense variant.
Genome position (GRCh38, 1-based): chr1:47,417,217, C>T. VCF-style: chr1-47417217-C-T. GRCh37 (hg19) VCF-style: chr1-47882889-C-T.
Other names: short protein forms P301L.
Identifiers: ClinVar variation 2304664 (VCV002304664.4), dbSNP rs1646890909, ClinGen allele CA340251006.

ClinVar aggregate classification (germline): Uncertain significance. Review status: criteria provided, multiple submitters, no conflicts (2 of 4 stars). 2 submissions from 2 submitters: Uncertain significance (2). Last evaluated 2024-03-03.

Conditions:
Anterior segment dysgenesis. Also called: Ocular anterior segment dysgenesis. Identifiers: Orphanet 88632, MedGen C1862839, MONDO:0019503, HP:0007700.
Congenital primary aphakia. Also called: Anterior segment dysgenesis 2, multiple subtypes; ANTERIOR SEGMENT DYSGENESIS 2. Identifiers: Orphanet 83461, MedGen C1853230, MONDO:0012456, OMIM 610256.
Cardiovascular phenotype. Identifiers: MedGen CN230736.

Allele frequency attached by ClinVar (database versions not stated): TOPMed below 0.00001; gnomAD 0.00001.

Submissions (2):

Labcorp Genetics (formerly Invitae), Labcorp
Classification: Uncertain significance for Anterior segment dysgenesis; Congenital primary aphakia. Last evaluated: 2024-03-03. Review status: criteria provided, single submitter. Criteria: Invitae Variant Classification Sherloc (09022015). Collection method: clinical testing. Allele origin: germline.
Comment: This sequence change replaces proline, which is neutral and non-polar, with leucine, which is neutral and non-polar, at codon 301 of the FOXE3 protein (p.Pro301Leu). This variant is not present in population databases (gnomAD no frequency). This variant has not been reported in the literature in individuals affected with FOXE3-related conditions. ClinVar contains an entry for this variant (Variation ID: 2304664). An algorithm developed to predict the effect of missense changes on protein structure and function (PolyPhen-2) suggests that this variant is likely to be tolerated. In summary, the available evidence is currently insufficient to determine the role of this variant in disease. Therefore, it has been classified as a Variant of Uncertain Significance.

Ambry Genetics
Classification: Uncertain significance for Cardiovascular phenotype. Last evaluated: 2022-08-02. Review status: criteria provided, single submitter. Criteria: Ambry Variant Classification Scheme 2023. Collection method: clinical testing. Allele origin: germline.